The following is an entry in ClinVar:

ClinVar aggregate classification (germline): Uncertain significance. Review status: criteria provided, multiple submitters, no conflicts (2 of 4 stars). 2 submissions from 2 submitters: Uncertain significance (2). Last evaluated 2023-12-13.

Conditions:
Charcot-Marie-Tooth disease type 4. Also called: Charcot-Marie-Tooth, Type 4; Charcot-Marie-Tooth disease, type IV. Identifiers: Orphanet 64749, MedGen C4082197, MONDO:0018995.
Inborn genetic diseases. Identifiers: MedGen C0950123, MeSH D030342.

Allele frequency attached by ClinVar (database versions not stated): TOPMed below 0.00001.

Submissions (2):

Ambry Genetics
Classification: Uncertain significance for Inborn genetic diseases. Last evaluated: 2023-12-13. Review status: criteria provided, single submitter. Criteria: Ambry Variant Classification Scheme 2023. Collection method: clinical testing. Allele origin: germline.

Labcorp Genetics (formerly Invitae), Labcorp
Classification: Uncertain significance for Charcot-Marie-Tooth disease type 4. Last evaluated: 2023-08-30. Review status: criteria provided, single submitter. Criteria: Invitae Variant Classification Sherloc (09022015). Collection method: clinical testing. Allele origin: germline.
Comment: This variant is not present in population databases (gnomAD no frequency). This sequence change replaces valine, which is neutral and non-polar, with isoleucine, which is neutral and non-polar, at codon 681 of the SBF2 protein (p.Val681Ile). This variant has not been reported in the literature in individuals affected with SBF2-related conditions. ClinVar contains an entry for this variant (Variation ID: 2086691). An algorithm developed to predict the effect of missense changes on protein structure and function (PolyPhen-2) suggests that this variant is likely to be tolerated. In summary, the available evidence is currently insufficient to determine the role of this variant in disease. Therefore, it has been classified as a Variant of Uncertain Significance.

NM_030962.4(SBF2):c.2041G>A (p.Val681Ile)

Genes: SBF2 (SET binding factor 2; minus strand), LOC101928008 (uncharacterized LOC101928008; plus strand). Cytogenetic location: 11p15.4.
Variant type: single nucleotide variant.
Coding change: c.2041G>A on transcript NM_030962.4 (MANE Select); coding-DNA position 2041, G replaced by A.
Protein change: p.Val681Ile; replaces valine 681 with isoleucine.
Molecular consequence: missense variant.
Genome position (GRCh38, 1-based): chr11:9,858,285, C>T on the plus strand (G>A on the coding strand, the complement: SBF2 is on the minus strand). VCF-style: chr11-9858285-C-T. GRCh37 (hg19) VCF-style: chr11-9879832-C-T.
Other names: c.2041G>A, p.Val681Ile (NM_001386339.1); c.1912G>A, p.Val638Ile (NM_001386342.1); short protein forms V681I, V638I.
Identifiers: ClinVar variation 2086691 (VCV002086691.5), dbSNP rs1256059640, ClinGen allele CA379641518.